The following is an entry in ClinVar:

NM_003246.4(THBS1):c.904-6A>G

Gene: THBS1 (thrombospondin 1; plus strand). Cytogenetic location: 15q14.
Variant type: single nucleotide variant.
Coding change: c.904-6A>G on transcript NM_003246.4 (MANE Select); 6 bases into the intron before coding-DNA position 904, A replaced by G.
Molecular consequence: intron variant.
Genome position (GRCh38, 1-based): chr15:39,584,294, A>G. VCF-style: chr15-39584294-A-G. GRCh37 (hg19) VCF-style: chr15-39876495-A-G.
Identifiers: ClinVar variation 4980444 (VCV004980444.1).

ClinVar aggregate classification (germline): Likely benign (1 of 4 stars; one submission).

Conditions:
THBS1-related disorder. Also called: THBS1-related condition.

gnomAD v4.1: 701 of 1,614,232 alleles (0.043%); highest among the groups gnomAD compares: Middle Eastern, 0.33%; 3 homozygotes.

Submission:

PreventionGenetics, part of Exact Sciences
Classification: Likely benign for THBS1-related condition. Last evaluated: 2025-04-10. Review status: criteria provided, single submitter. Criteria: ACMG Guidelines, 2015. Collection method: clinical testing. Allele origin: germline.
Comment: This variant is classified as likely benign based on ACMG/AMP sequence variant interpretation guidelines (Richards et al. 2015 PMID: 25741868, with internal and published modifications).